The following is an entry in ClinVar:

NM_017635.5(KMT5B):c.1820C>T (p.Thr607Ile)

Gene: KMT5B (lysine methyltransferase 5B; minus strand). Cytogenetic location: 11q13.2.
Variant type: single nucleotide variant.
Coding change: c.1820C>T on transcript NM_017635.5 (MANE Select); coding-DNA position 1820, C replaced by T.
Protein change: p.Thr607Ile; replaces threonine 607 with isoleucine.
Molecular consequence: missense variant.
Genome position (GRCh38, 1-based): chr11:68,158,526, G>A on the plus strand (C>T on the coding strand, the complement: KMT5B is on the minus strand). VCF-style: chr11-68158526-G-A. GRCh37 (hg19) VCF-style: chr11-67925993-G-A.
Other names: c.1304C>T, p.Thr435Ile (NM_001369432.1, NM_001369433.1, NM_001300907.1 and 4 more transcripts); c.1100C>T, p.Thr367Ile (NM_001300908.2); c.1820C>T, p.Thr607Ile (NM_001369426.1); short protein forms T367I, T435I, T607I.
Identifiers: ClinVar variation 2642032 (VCV002642032.24), dbSNP rs1859469137, ClinGen allele CA381592244.

ClinVar aggregate classification (germline): Uncertain significance (1 of 4 stars; one submission).

gnomAD v4.1: 2 of 1,614,180 alleles (0.00012%); no homozygotes.

Submission:

CeGaT Center for Human Genetics Tuebingen
Classification: Uncertain significance. Last evaluated: 2022-12-01. Review status: criteria provided, single submitter. Criteria: CeGaT Center For Human Genetics Tuebingen Variant Classification Criteria Version 2. Collection method: clinical testing. Allele origin: germline. Affected: yes. Observed: 1 variant allele.
Comment: KMT5B: PM2, BP4